The following is an entry in ClinVar:

NM_015122.3(FCHO1):c.2614C>T (p.Arg872Cys)

Gene: FCHO1 (FCH and mu domain containing endocytic adaptor 1; plus strand). Cytogenetic location: 19p13.11.
Variant type: single nucleotide variant.
Coding change: c.2614C>T on transcript NM_015122.3 (MANE Select); coding-DNA position 2614, C replaced by T.
Protein change: p.Arg872Cys; replaces arginine 872 with cysteine.
Molecular consequence: missense variant. On other transcripts: non-coding transcript variant (36).
Genome position (GRCh38, 1-based): chr19:17,787,813, C>T. VCF-style: chr19-17787813-C-T. GRCh37 (hg19) VCF-style: chr19-17898622-C-T.
Other names: c.2614C>T, p.Arg872Cys (NM_001161357.2, NM_001161358.2, NM_001384370.1 and 11 more transcripts); c.2464C>T, p.Arg822Cys (NM_001161359.2, NM_001384384.1, NM_001384385.1 and 1 more transcripts); c.2593C>T, p.Arg865Cys (NM_001384387.1); c.2575C>T, p.Arg859Cys (NM_001384388.1, NM_001384389.1); c.2539C>T, p.Arg847Cys (NM_001384390.1); c.2414C>T, p.Pro805Leu (NM_001384391.1); c.2497C>T, p.Arg833Cys (NM_001384392.1, NM_001384393.1, NM_001384394.1 and 1 more transcripts); c.2338C>T, p.Arg780Cys (NM_001384396.1, NM_001384397.1, NM_001384398.1 and 4 more transcripts); and 5 more; short protein forms R780C, R822C, R865C, R872C, P663L, P713L, R765C, R859C.
Identifiers: ClinVar variation 1345721 (VCV001345721.5), dbSNP rs779864048, ClinGen allele CA9300939.

ClinVar aggregate classification (germline): Uncertain significance (1 of 4 stars; one submission).

Allele frequency attached by ClinVar (database versions not stated): gnomAD exomes 0.00003 and 0.00006; TOPMed 0.00004; gnomAD 0.00006; ExAC 0.00007.
gnomAD v4.1: 59 of 1,613,308 alleles (0.0037%); highest among the groups gnomAD compares: Middle Eastern, 0.1%; 1 homozygote.

Submission:

Labcorp Genetics (formerly Invitae), Labcorp
Classification: Uncertain significance. Last evaluated: 2026-01-11. Review status: criteria provided, single submitter. Criteria: Invitae Variant Classification Sherloc (09022015). Collection method: clinical testing. Allele origin: germline.
Comment: This sequence change replaces arginine, which is basic and polar, with cysteine, which is neutral and slightly polar, at codon 872 of the FCHO1 protein (p.Arg872Cys). This variant is present in population databases (rs779864048, gnomAD 0.01%), including at least one homozygous and/or hemizygous individual. This variant has not been reported in the literature in individuals affected with FCHO1-related conditions. ClinVar contains an entry for this variant (Variation ID: 1345721). An algorithm developed to predict the effect of missense changes on protein structure and function (PolyPhen-2) suggests that this variant is likely to be disruptive. In summary, the available evidence is currently insufficient to determine the role of this variant in disease. Therefore, it has been classified as a Variant of Uncertain Significance.